The following is an entry in ClinVar:

ClinVar aggregate classification (germline): Uncertain significance (1 of 4 stars; one submission).

Conditions:
Acyl-CoA oxidase deficiency. Also called: Pseudoneonatal adrenoleukodystrophy; Peroxisomal acyl-CoA oxidase deficiency; STRAIGHT-CHAIN ACYL-CoA OXIDASE DEFICIENCY. Identifiers: Orphanet 2971, MedGen C1849678, MONDO:0009919, OMIM 264470. Disease mechanism: loss of function.

Submission:

Labcorp Genetics (formerly Invitae), Labcorp
Classification: Uncertain significance for Acyl-CoA oxidase deficiency. Last evaluated: 2022-08-28. Review status: criteria provided, single submitter. Criteria: Invitae Variant Classification Sherloc (09022015). Collection method: clinical testing. Allele origin: germline.
Comment: This sequence change replaces alanine, which is neutral and non-polar, with valine, which is neutral and non-polar, at codon 550 of the ACOX1 protein (p.Ala550Val). This variant is not present in population databases (gnomAD no frequency). This variant has not been reported in the literature in individuals affected with ACOX1-related conditions. Algorithms developed to predict the effect of missense changes on protein structure and function (SIFT, PolyPhen-2, Align-GVGD) all suggest that this variant is likely to be tolerated. In summary, the available evidence is currently insufficient to determine the role of this variant in disease. Therefore, it has been classified as a Variant of Uncertain Significance.

NM_004035.7(ACOX1):c.1649C>T (p.Ala550Val)

Gene: ACOX1 (acyl-CoA oxidase 1; minus strand). Cytogenetic location: 17q25.1.
Variant type: single nucleotide variant.
Coding change: c.1649C>T on transcript NM_004035.7 (MANE Select); coding-DNA position 1649, C replaced by T.
Protein change: p.Ala550Val; replaces alanine 550 with valine.
Molecular consequence: missense variant.
Genome position (GRCh38, 1-based): chr17:75,949,296, G>A on the plus strand (C>T on the coding strand, the complement: ACOX1 is on the minus strand). VCF-style: chr17-75949296-G-A. GRCh37 (hg19) VCF-style: chr17-73945377-G-A.
Other names: c.1535C>T, p.Ala512Val (NM_001185039.2); c.1649C>T, p.Ala550Val (NM_007292.6); short protein forms A512V, A550V.
Identifiers: ClinVar variation 1718245 (VCV001718245.5), dbSNP rs2546074564, ClinGen allele CA401059975.